The following is an entry in ClinVar:

NM_018406.7(MUC4):c.14044+7G>A

Gene: MUC4 (mucin 4, cell surface associated). Cytogenetic location: 3q29.
Variant type: single nucleotide variant.
Coding change: c.14044+7G>A on transcript NM_018406.7 (MANE Select); 7 bases into the intron after coding-DNA position 14044, G replaced by A.
Molecular consequence: intron variant.
Genome position (GRCh38, 1-based): chr3:195,764,038, C>T on the plus strand (G>A on the coding strand, the complement: MUC4 is on the minus strand). VCF-style: chr3-195764038-C-T. GRCh37 (hg19) VCF-style: chr3-195490909-C-T.
Other names: c.1183+7G>A (NM_138297.5); c.1336+7G>A (NM_004532.6).
Identifiers: ClinVar variation 3387925 (VCV003387925.14).
Genomic context (GRCh38, chr3:195,764,038, plus strand): 5'-ACCTCCCGGAAGCCCAGAAGCTCCCCCTCCCCAGAGGCTCTTCCTGGGCCTGGGCCCTGT[C>T]GCTCACCGGGCTGTGGGGGCCTGTATGTAGCACAGCCCACGTGGGGCCGCCTCTGCTGGT-3'

ClinVar aggregate classification (germline): Likely benign (1 of 4 stars; one submission).

gnomAD v4.1: 4,692 of 1,607,976 alleles (0.29%); highest among the groups gnomAD compares: Middle Eastern, 5.5%; 45 homozygotes.

Submission:

CeGaT Center for Human Genetics Tuebingen
Classification: Likely benign. Last evaluated: 2025-10-01. Review status: criteria provided, single submitter. Criteria: CeGaT Center For Human Genetics Tuebingen Variant Classification Criteria Version 2. Collection method: clinical testing. Allele origin: germline. Affected: yes. Observed: 2 variant alleles.
Comment: MUC4: BP4, BS2